The following is an entry in ClinVar:

NM_000051.4(ATM):c.1235+2_1235+10del

Gene: ATM (ATM serine/threonine kinase; plus strand). Cytogenetic location: 11q22.3.
Variant type: Deletion.
Coding change: c.1235+2_1235+10del on transcript NM_000051.4 (MANE Select); the canonical splice donor site of the intron after coding-DNA position 1235 through 10 bases into the intron after coding-DNA position 1235, 9 bases deleted (TAAAGTGTT; older notation c.1235+2_1235+10delTAAAGTGTT).
Molecular consequence: splice donor variant.
Genome position (GRCh38, 1-based): chr11:108,249,104-108,249,112, TAAAGTGTT deleted. VCF-style (leftmost placement, unchanged base first): chr11-108249103-GTAAAGTGTT-G. GRCh37 (hg19) VCF-style: chr11-108119830-GTAAAGTGTT-G.
Other names: c.1235+2_1235+10del (NM_001351834.2).
Identifiers: ClinVar variation 3450651 (VCV003450651.1).

ClinVar aggregate classification (germline): Likely pathogenic (1 of 4 stars; one submission).

Conditions:
Hereditary cancer-predisposing syndrome. Also called: Tumor predisposition; Neoplastic Syndromes, Hereditary; Hereditary neoplastic syndrome; Hereditary Cancer Syndrome. Identifiers: Orphanet 140162, MedGen C0027672, MeSH D009386, MONDO:0015356.

Submission:

Ambry Genetics
Classification: Likely pathogenic for Hereditary cancer-predisposing syndrome. Last evaluated: 2024-09-10. Review status: criteria provided, single submitter. Criteria: Ambry Variant Classification Scheme 2023. Collection method: clinical testing. Allele origin: germline.
Comment: The c.1235+2_1235+10delTAAAGTGTT intronic variant, located in intron 8 of the ATM gene, results from a deletion of 9 nucleotides within intron 8 of the ATM gene. The canonical nucleotide positions are highly conserved in available vertebrate species. In silico splice site analysis predicts that this alteration will weaken the native splice donor site; however, direct evidence is insufficient at this time (Ambry internal data). Alterations that disrupt the canonical splice site are expected to cause aberrant splicing, resulting in an abnormal protein or a transcript that is subject to nonsense-mediated mRNA decay. As such, this alteration is classified as likely pathogenic.